The following is an entry in ClinVar:

ClinVar aggregate classification (germline): Benign/Likely benign. Review status: criteria provided, multiple submitters, no conflicts (2 of 4 stars). 4 submissions from 4 submitters: Benign (2); Likely benign (2). Last evaluated 2026-08-01.

Allele frequency attached by ClinVar (database versions not stated): ESP Exome Variant Server 0.00023; gnomAD 0.00030 and 0.00051; TOPMed 0.00036; 1000 Genomes Project 0.00060; 1000 Genomes Project 30x 0.00078; ExAC 0.00104.

Submissions (4):

CeGaT Center for Human Genetics Tuebingen
Classification: Likely benign. Last evaluated: 2026-08-01. Review status: criteria provided, single submitter. Criteria: CeGaT Center For Human Genetics Tuebingen Variant Classification Criteria Version 2. Collection method: clinical testing. Allele origin: germline. Affected: yes. Observed: 4 variant alleles.
Comment: PKD1L1: BS2

Labcorp Genetics (formerly Invitae), Labcorp
Classification: Benign. Last evaluated: 2025-11-10. Review status: criteria provided, single submitter. Criteria: Invitae Variant Classification Sherloc (09022015). Collection method: clinical testing. Allele origin: germline.

Blueprint Genetics
Classification: Likely benign. Last evaluated: 2024-11-08. Review status: criteria provided, single submitter. Criteria: ACMG Guidelines, 2015. Collection method: clinical testing. Allele origin: germline.

Breakthrough Genomics
Classification: Benign. Review status: criteria provided, single submitter. Criteria: ACMG Guidelines, 2015. Collection method: not provided. Allele origin: germline. Inheritance: Autosomal recessive inheritance. Affected: yes.

NM_138295.5(PKD1L1):c.1392G>A (p.Val464=)

Gene: PKD1L1 (polycystin 1 like 1, transient receptor potential channel interacting; minus strand). Cytogenetic location: 7p12.3.
Variant type: single nucleotide variant.
Coding change: c.1392G>A on transcript NM_138295.5 (MANE Select); coding-DNA position 1392, G replaced by A.
Protein change: p.Val464=; no amino-acid change (valine 464 retained).
Molecular consequence: synonymous variant.
Genome position (GRCh38, 1-based): chr7:47,908,087, C>T on the plus strand (G>A on the coding strand, the complement: PKD1L1 is on the minus strand). VCF-style: chr7-47908087-C-T. GRCh37 (hg19) VCF-style: chr7-47947684-C-T.
Identifiers: ClinVar variation 774079 (VCV000774079.31), dbSNP rs150516084, ClinGen allele CA4254068.